The following is an entry in ClinVar:

NM_001005242.3(PKP2):c.951_983delinsAC (p.His318fs)

Gene: PKP2 (plakophilin 2; minus strand). Cytogenetic location: 12p11.21.
Variant type: Indel.
Coding change: c.951_983delinsAC on transcript NM_001005242.3 (MANE Select); coding-DNA positions 951 to 983, the reference bases replaced by AC.
Protein change: p.His318fs; shifts the reading frame from histidine 318.
Molecular consequence: frameshift variant.
Genome position (GRCh38, 1-based): chr12:32,877,897-32,877,929, 33 bases replaced. GRCh37 (hg19): chr12:33,030,831-33,030,863.
Other names: c.951_983delinsAC, p.His318fs (NM_004572.4); short protein forms H318fs.
Identifiers: ClinVar variation 45091 (VCV000045091.6), dbSNP rs397517030, ClinGen allele CA012570.
Genomic context (GRCh38, chr12:32,877,897, plus strand): 5'-GGGACTTACCCCAGCTGGGAGTCAGTGAAAGTGCTTCTCTCAGTGAGCAGATTCCCACTT[CCCCCTGCGGCCGCCTGGCCGACAGTCAAGTGC>GT]GCTCTCCTCCCGCTGGAATCCACGGCGACACTGGGCCCAGCTTCCCTCAGCGTGCGGGTG-3'

ClinVar aggregate classification (germline): Pathogenic (1 of 4 stars; one submission).

Conditions:
Arrhythmogenic right ventricular cardiomyopathy (ARVD). Also called: Arrhythmogenic right ventricular dysplasia; Arrhythmogenic cardiomyopathy; Arrhythmogenic Right Ventricular Cardiomyopathy (ARVC); Cardiomyopathy, ARVC. Identifiers: Orphanet 247, MedGen C0349788, MeSH D019571, MONDO:0016587. Disease mechanism: loss of function. Inheritance: Various modes of inheritance.

Submission:

Laboratory for Molecular Medicine, Mass General Brigham Personalized Medicine
Classification: Pathogenic for Arrhythmogenic right ventricular cardiomyopathy. Last evaluated: 2021-12-15. Review status: criteria provided, single submitter. Criteria: ACMG Guidelines, 2015. Collection method: clinical testing. Allele origin: germline. Inheritance: Autosomal dominant inheritance.
Comment: It was absent from large population studies. This variant is predicted to cause a frameshift, which alters the protein’s amino acid sequence beginning at position 318 and leads to a premature termination codon 24 amino acids downstream. This alteration is then predicted to lead to a truncated or absent protein. Loss of function of the ARVC gene is an established disease mechanism in autosomal dominant ARVC. In summary, this variant meets criteria to be classified as pathogenic for autosomal dominant ARVC. ACMG/AMP Criteria applied: PVS1; PM2_Supporting, PP1.